The following is an entry in ClinVar:

ClinVar aggregate classification (germline): Pathogenic. Review status: criteria provided, single submitter (1 of 4 stars). 2 submissions from 2 submitters: Pathogenic (1). 1 of the submissions does not count toward it. Last evaluated 2023-10-25.

Conditions:
Laron-type isolated somatotropin defect. Also called: GROWTH HORMONE RECEPTOR DEFICIENCY; Laron Syndrome; Growth hormone binding protein deficiency or dysfunction; Growth hormone receptor deficiency or dysfunction; Laron dwarfism; Laron type pituitary dwarfism I. Identifiers: Orphanet 633, MedGen C0271568, MONDO:0009877, OMIM 262500.
Growth hormone insensitivity syndrome. Identifiers: Orphanet 181393, MedGen C4318479, MONDO:0015892.

Submissions (2):

Women's Health and Genetics/Laboratory Corporation of America, LabCorp
Classification: Pathogenic for Growth hormone insensitivity syndrome. Last evaluated: 2023-10-25. Review status: criteria provided, single submitter. Criteria: LabCorp Variant Classification Summary - May 2015. Collection method: clinical testing. Allele origin: germline.
Comment: Variant summary: GHR c.102G>A (p.Trp34X) results in a premature termination codon, predicted to cause a truncation of the encoded protein or absence of the protein due to nonsense mediated decay, which are commonly known mechanisms for disease. The variant was absent in 232580 control chromosomes. c.102G>A has been reported in the literature in individuals affected with Growth Hormone Insensitivity, including in at least one compound heterozygous genotype (e.g.Pantel_2003). These data suggest the variant is likely to be associated with disease. To our knowledge, no experimental evidence demonstrating an impact on protein function has been reported. No submitters have cited clinical-significance assessments for this variant to ClinVar after 2014. Based on the evidence outlined above, the variant was classified as pathogenic.

OMIM
Classification: Pathogenic for LARON SYNDROME. Last evaluated: 2003-04-01. Review status: no assertion criteria provided. Collection method: literature only. Allele origin: germline. Not counted in ClinVar's aggregate classification.

Literature cited by the submitters: PubMed 12679461 (cited by Women's Health and Genetics/Laboratory Corporation of America, LabCorp and OMIM).

NM_000163.5(GHR):c.102G>A (p.Trp34Ter)

Gene: GHR (growth hormone receptor; plus strand). Cytogenetic location: 5p12.
Variant type: single nucleotide variant.
Coding change: c.102G>A on transcript NM_000163.5 (MANE Select); coding-DNA position 102, G replaced by A.
Protein change: p.Trp34Ter; replaces tryptophan 34 with a stop codon.
Molecular consequence: nonsense. On other transcripts: intron variant (1).
Genome position (GRCh38, 1-based): chr5:42,629,069, G>A. VCF-style: chr5-42629069-G-A. GRCh37 (hg19) VCF-style: chr5-42629171-G-A.
Other names: c.123G>A, p.Trp41Ter (NM_001242399.2); c.102G>A, p.Trp34Ter (NM_001242400.2, NM_001242401.4, NM_001242402.2 and 5 more transcripts); c.71-59821G>A (NM_001242460.2); short protein forms W34*, W41*.
Identifiers: ClinVar variation 8657 (VCV000008657.2), dbSNP rs121909370, ClinGen allele CA119813.